The following is an entry in ClinVar:

NM_001378328.1(CELSR1):c.4928G>A (p.Arg1643Gln)

Gene: CELSR1 (cadherin EGF LAG seven-pass G-type receptor 1; minus strand). Cytogenetic location: 22q13.31.
Variant type: single nucleotide variant.
Coding change: c.4928G>A on transcript NM_001378328.1 (MANE Select); coding-DNA position 4928, G replaced by A.
Protein change: p.Arg1643Gln; replaces arginine 1643 with glutamine.
Molecular consequence: missense variant.
Genome position (GRCh38, 1-based): chr22:46,410,403, C>T on the plus strand (G>A on the coding strand, the complement: CELSR1 is on the minus strand). VCF-style: chr22-46410403-C-T. GRCh37 (hg19) VCF-style: chr22-46806300-C-T.
Other names: c.4928G>A, p.Arg1643Gln (NM_014246.4); short protein forms R1643Q.
Identifiers: ClinVar variation 2442586 (VCV002442586.5), dbSNP rs368495315, ClinGen allele CA10294469.

ClinVar aggregate classification (germline): Uncertain significance. Review status: criteria provided, multiple submitters, no conflicts (2 of 4 stars). 5 submissions from 5 submitters: Uncertain significance (5). Last evaluated 2024-10-24.

Conditions:
CELSR1-related disorder. Also called: CELSR1-related condition.
Lymphatic malformation 9. Identifiers: MedGen C5543365, MONDO:0030270, OMIM 619319.

Allele frequency attached by ClinVar (database versions not stated): gnomAD exomes 0.00005; ExAC 0.00007; gnomAD 0.00028; ESP Exome Variant Server 0.00031; TOPMed 0.00037.
gnomAD v4.1: 118 of 1,613,504 alleles (0.0073%); highest among the groups gnomAD compares: African/African-American, 0.11%; no homozygotes.

Submissions (5):

Ambry Genetics
Classification: Uncertain significance. Last evaluated: 2024-10-24. Review status: criteria provided, single submitter. Criteria: Ambry Variant Classification Scheme 2023. Collection method: clinical testing. Allele origin: germline.

Clinical Genomics Laboratory, Washington University in St. Louis
Classification: Uncertain significance for Lymphatic malformation 9. Last evaluated: 2024-10-23. Review status: criteria provided, single submitter. Criteria: ACMG Guidelines, 2015. Collection method: clinical testing. Allele origin: germline.
Comment: A CELSR1 c.4928G>A (p.Arg1643Gln) variant was identified at a near heterozygous allelic fraction of 48.96%, a frequency that may be consistent with germline origin. This variant, to our knowledge, has not been reported in the medical literature. It is observed on 118/1,613,504 alleles in the general population (gnomAD v.4.1.0). Computational predictors indicate that this variant has no impact on CELSR1 function. This variant has been reported in the ClinVar database as a variant of uncertain significance by two submitters (ClinVar ID: 2442586). Due to limited information, and based on ACMG/AMP guidelines for variant interpretation (Richards S et al., PMID: 25741868), the clinical significance of this variant is uncertain at this time.

PreventionGenetics, part of Exact Sciences
Classification: Uncertain significance for CELSR1-related condition. Last evaluated: 2023-05-06. Review status: criteria provided, single submitter. Criteria: ACMG Guidelines, 2015. Collection method: clinical testing. Allele origin: germline.
Comment: The CELSR1 c.4928G>A variant is predicted to result in the amino acid substitution p.Arg1643Gln. To our knowledge, this variant has not been reported in the literature. This variant is reported in 0.096% of alleles in individuals of African descent in gnomAD. An alternate change affecting the same amino acid (p.Arg1643Trp) has been reported in an individual with neural tube defects (Table 1, Lei et al. 2014. PubMed ID: 24632739). At this time, the clinical significance of the c.4928G>A (p.Arg1643Gln) variant is uncertain due to the absence of conclusive functional and genetic evidence.

GeneDx
Classification: Uncertain significance. Last evaluated: 2022-08-30. Review status: criteria provided, single submitter. Criteria: GeneDx Variant Classification Process June 2021. Collection method: clinical testing. Allele origin: germline. Affected: yes.
Comment: In silico analysis supports that this missense variant does not alter protein structure/function; Has not been previously published as pathogenic or benign to our knowledge

Breakthrough Genomics
Classification: Uncertain significance. Review status: criteria provided, single submitter. Criteria: ACMG Guidelines, 2015. Collection method: not provided. Allele origin: germline. Inheritance: Autosomal dominant inheritance. Affected: yes.